The following is an entry in ClinVar:

NM_001126108.2(SLC12A3):c.1948G>A (p.Gly650Arg)

Gene: SLC12A3 (solute carrier family 12 member 3; plus strand). Cytogenetic location: 16q13.
Variant type: single nucleotide variant.
Coding change: c.1948G>A on transcript NM_001126108.2 (MANE Select); coding-DNA position 1948, G replaced by A.
Protein change: p.Gly650Arg; replaces glycine 650 with arginine.
Molecular consequence: missense variant.
Genome position (GRCh38, 1-based): chr16:56,886,386, G>A. VCF-style: chr16-56886386-G-A. GRCh37 (hg19) VCF-style: chr16-56920298-G-A.
Other names: c.1948G>A, p.Gly650Arg (NM_000339.3); c.1945G>A, p.Gly649Arg (NM_001126107.2, NM_001410896.1); short protein forms G649R, G650R.
Identifiers: ClinVar variation 4847399 (VCV004847399.1).

ClinVar aggregate classification (germline): Uncertain significance (1 of 4 stars; one submission).

Submission:

Women's Health and Genetics/Laboratory Corporation of America, LabCorp
Classification: Uncertain significance. Last evaluated: 2026-03-09. Review status: criteria provided, single submitter. Criteria: LabCorp Variant Classification Summary - May 2015. Collection method: clinical testing. Allele origin: germline.
Comment: Variant summary: SLC12A3 c.1948G>A (p.Gly650Arg) results in a non-conservative amino acid change in the encoded protein sequence. Algorithms developed to predict the effect of missense changes on protein structure and function all suggest that this variant is likely to be disruptive. The variant was absent in 250624 control chromosomes (gnomAD). c.1948G>A has been observed in individuals affected with Familial Hypokalemia-Hypomagnesemia (e.g. Colussi_2007, Vargas-Poussou_2011, Hureax_2019). These data indicate that the variant may be associated with disease. To our knowledge, no experimental evidence demonstrating an impact on protein function has been reported. The following publications have been ascertained in the context of this evaluation (PMID: 17699451, 21415153, 31672324). No submitters have cited clinical-significance assessments for this variant to ClinVar. Based on the evidence outlined above, the variant was classified as VUS-possibly pathogenic.

Literature cited by the submitters: PubMed 31672324; PubMed 21415153; PubMed 17699451.